The following is an entry in ClinVar:

NM_001365088.1(SLC12A6):c.176C>G (p.Pro59Arg)

Gene: SLC12A6 (solute carrier family 12 member 6; minus strand). Cytogenetic location: 15q14.
Variant type: single nucleotide variant.
Coding change: c.176C>G on transcript NM_001365088.1 (MANE Select); coding-DNA position 176, C replaced by G.
Protein change: p.Pro59Arg; replaces proline 59 with arginine.
Molecular consequence: missense variant. On other transcripts: 5 prime UTR variant (2).
Genome position (GRCh38, 1-based): chr15:34,336,505, G>C on the plus strand (C>G on the coding strand, the complement: SLC12A6 is on the minus strand). VCF-style: chr15-34336505-G-C. GRCh37 (hg19) VCF-style: chr15-34628706-G-C.
Other names: c.-2C>G (NM_001042494.2, NM_001042495.2); c.149C>G, p.Pro50Arg (NM_001042496.2); c.176C>G, p.Pro59Arg (NM_001042497.2, NM_133647.2); short protein forms P50R, P59R.
Identifiers: ClinVar variation 989785 (VCV000989785.7), dbSNP rs777459849, ClinGen allele CA7464701.
Genomic context (GRCh38, chr15:34,336,505, plus strand): 5'-CTGGGTGGATCCAGTGCAACAGTTGCCAGCGAAGTGGTGGCCCCAGACATCTCACTCATA[G>C]GCTCACTCCGGCTTGTTTCAGGCACGCTTTCCCGGGAGCTAAATCTTACTCGGGAACTAG-3'
Protein context (NP_001352017.1, residues 49-69): ESVPETSRSE[Pro59Arg]MSEMSGATTS

ClinVar aggregate classification (germline): Uncertain significance. Review status: criteria provided, multiple submitters, no conflicts (2 of 4 stars). 3 submissions from 3 submitters: Uncertain significance (2). 1 of the submissions does not count toward it. Last evaluated 2024-10-21.

Conditions:
Agenesis of the corpus callosum with peripheral neuropathy (ACCPN). Also called: Hereditary Motor and Sensory Neuropathy with Agenesis of the Corpus Callosum; POLYNEUROPATHY, SENSORIMOTOR, WITH OR WITHOUT AGENESIS OF THE CORPUS CALLOSUM; HMSN/ACC; CHARLEVOIX DISEASE. Identifiers: Orphanet 1496, MedGen C0795950, MONDO:0000902, OMIM 218000. Disease mechanism: loss of function.

Allele frequency attached by ClinVar (database versions not stated): ExAC 0.00003; gnomAD exomes 0.00004; gnomAD 0.00005; TOPMed 0.00005.

Submissions (3):

Labcorp Genetics (formerly Invitae), Labcorp
Classification: Uncertain significance. Last evaluated: 2024-10-21. Review status: criteria provided, single submitter. Criteria: Invitae Variant Classification Sherloc (09022015). Collection method: clinical testing. Allele origin: germline.
Comment: This sequence change replaces proline, which is neutral and non-polar, with arginine, which is basic and polar, at codon 59 of the SLC12A6 protein (p.Pro59Arg). This variant is present in population databases (rs777459849, gnomAD 0.008%). This missense change has been observed in individual(s) with clinical features of SLC12A6-related conditions (internal data). ClinVar contains an entry for this variant (Variation ID: 989785). Invitae Evidence Modeling of protein sequence and biophysical properties (such as structural, functional, and spatial information, amino acid conservation, physicochemical variation, residue mobility, and thermodynamic stability) indicates that this missense variant is not expected to disrupt SLC12A6 protein function with a negative predictive value of 95%. In summary, the available evidence is currently insufficient to determine the role of this variant in disease. Therefore, it has been classified as a Variant of Uncertain Significance.

GeneDx
Classification: Uncertain significance. Last evaluated: 2023-03-22. Review status: criteria provided, single submitter. Criteria: GeneDx Variant Classification Process June 2021. Collection method: clinical testing. Allele origin: germline. Affected: yes.
Comment: In silico analysis supports that this missense variant has a deleterious effect on protein structure/function; Has not been previously published as pathogenic or benign to our knowledge

Natera, Inc.
Classification: Uncertain significance for Andermann syndrome. Last evaluated: 2020-04-18. Review status: no assertion criteria provided. Collection method: clinical testing. Allele origin: germline. Not counted in ClinVar's aggregate classification.